The following is an entry in ClinVar:

NM_001673.5(ASNS):c.1239-1G>T

Genes: ASNS (asparagine synthetase (glutamine-hydrolyzing); minus strand), CZ1P-ASNS (CZ1P-ASNS readthrough; minus strand). Cytogenetic location: 7q21.3.
Variant type: single nucleotide variant.
Coding change: c.1239-1G>T on transcript NM_001673.5 (MANE Select); the canonical splice acceptor site of the intron before coding-DNA position 1239, G replaced by T.
Molecular consequence: splice acceptor variant.
Genome position (GRCh38, 1-based): chr7:97,853,387, C>A on the plus strand (G>T on the coding strand, the complement: ASNS is on the minus strand). VCF-style: chr7-97853387-C-A. GRCh37 (hg19) VCF-style: chr7-97482699-C-A.
Other names: c.1239-1G>T (NM_001352496.2, NM_183356.4, NM_133436.3); c.990-1G>T (NM_001178076.2, NM_001178077.1); c.1176-1G>T (NM_001178075.2).
Identifiers: ClinVar variation 4816500 (VCV004816500.1).
Genomic context (GRCh38, chr7:97,853,387, plus strand): 5'-GGCAGAGACAAGTAATAGGAAGAAAATCGATGATCTAGAAATGGGACTCTCAGTTCAAGA[C>A]TTAAAGGAGAAAAGAAGAAAATCTAAATTAAAATGGGTATTTAGTGCCTGCCAGGTTAGG-3'

ClinVar aggregate classification (germline): Likely pathogenic (1 of 4 stars; one submission).

Conditions:
Congenital microcephaly - severe encephalopathy - progressive cerebral atrophy syndrome. Also called: ASNS DEFICIENCY; Asparagine synthetase deficiency. Identifiers: Orphanet 391376, MedGen C3809971, MONDO:0014258, OMIM 615574.

Submission:

Natera, Inc.
Classification: Likely pathogenic for Asparagine synthetase deficiency. Last evaluated: 2024-05-06. Review status: criteria provided, single submitter. Criteria: Natera Variant Classification Schema (03/2026). Collection method: clinical testing. Allele origin: germline.
Comment: The c.1239-1G>T variant in ASNS is a canonical splice acceptor site variant predicted to affect pre-mRNA splicing, which may result in an abnormal transcript and altered protein product. This variant is expected to result in nonsense mediated decay, truncation, or a dysfunctional protein product. This variant is rare in the general population with a frequency below the threshold expected for the associated phenotype(s). Given the available evidence, this variant is classified as Likely Pathogenic.